The following is an entry in ClinVar:

ClinVar aggregate classification (germline): Uncertain significance (1 of 4 stars; one submission).

Conditions:
Macrocephaly/megalencephaly syndrome, autosomal recessive (MGCPH). Also called: Fryns Dereymaeker Haegeman syndrome. Identifiers: MedGen C3806412, MONDO:0009544, OMIM 248000.

Submission:

Baylor Genetics
Classification: Uncertain significance for Macrocephaly/megalencephaly syndrome, autosomal recessive. Last evaluated: 2018-07-11. Review status: criteria provided, single submitter. Criteria: ACMG Guidelines, 2015. Collection method: clinical testing. Allele origin: paternal. Affected: yes.
Comment: This variant was determined to be of uncertain significance according to ACMG Guidelines, 2015 [PMID:25741868].

NM_016495.6(TBC1D7):c.381+143C>T

Genes: TBC1D7 (TBC1 domain family member 7; minus strand), TBC1D7-LOC100130357 (TBC1D7-LOC100130357 readthrough; minus strand). Cytogenetic location: 6p24.1.
Variant type: single nucleotide variant.
Coding change: c.381+143C>T on transcript NM_016495.6 (MANE Select); 143 bases into the intron after coding-DNA position 381, C replaced by T.
Molecular consequence: intron variant. On other transcripts: missense variant (1).
Genome position (GRCh38, 1-based): chr6:13,320,765, G>A on the plus strand (C>T on the coding strand, the complement: TBC1D7 is on the minus strand). VCF-style: chr6-13320765-G-A. GRCh37 (hg19) VCF-style: chr6-13320997-G-A.
Other names: c.443C>T, p.Ala148Val (NM_001318806.2); c.381+143C>T (NM_001318809.2, NM_001258457.3, NM_001143965.4 and 2 more transcripts); c.300+143C>T (NM_001143966.4); short protein forms A148V.
Identifiers: ClinVar variation 1033329 (VCV001033329.1), dbSNP rs1783977409, ClinGen allele CA362782784.